The following is an entry in ClinVar:

ClinVar aggregate classification (germline): Benign/Likely benign. Review status: criteria provided, multiple submitters, no conflicts (2 of 4 stars). 3 submissions from 3 submitters: Benign (1); Likely benign (1). 1 of the submissions does not count toward it. Last evaluated 2026-01-12.

Conditions:
PHF6-related disorder. Also called: PHF6-related condition.
Borjeson-Forssman-Lehmann syndrome (BFLS). Also called: BORJESON SYNDROME; MENTAL RETARDATION, X-LINKED, SYNDROMIC, BORJESON-FORSSMAN-LEHMANN TYPE; MENTAL RETARDATION, EPILEPSY, AND ENDOCRINE DISORDERS. Identifiers: Orphanet 127, MedGen C0265339, MONDO:0010537, OMIM 301900.

Allele frequency attached by ClinVar (database versions not stated): gnomAD below 0.00001 and 0.00005; TOPMed 0.00002; gnomAD exomes 0.00015 and 0.00037; ExAC 0.00039; 1000 Genomes Project 0.00079; 1000 Genomes Project 30x 0.00083.
gnomAD v4.1: 165 of 1,202,407 alleles (0.014%); highest among the groups gnomAD compares: South Asian, 0.28%; no homozygotes.

Submissions (3):

Labcorp Genetics (formerly Invitae), Labcorp
Classification: Benign for Borjeson-Forssman-Lehmann syndrome. Last evaluated: 2026-01-12. Review status: criteria provided, single submitter. Criteria: Invitae Variant Classification Sherloc (09022015). Collection method: clinical testing. Allele origin: germline.

Blueprint Genetics
Classification: Likely benign. Last evaluated: 2024-05-03. Review status: criteria provided, single submitter. Criteria: ACMG Guidelines, 2015. Collection method: clinical testing. Allele origin: germline.

PreventionGenetics, part of Exact Sciences
Classification: Likely benign for PHF6-related condition. Last evaluated: 2020-12-15. Review status: no assertion criteria provided. Collection method: clinical testing. Allele origin: germline. Not counted in ClinVar's aggregate classification.
Comment: This variant is classified as likely benign based on ACMG/AMP sequence variant interpretation guidelines (Richards et al. 2015 PMID: 25741868, with internal and published modifications).

NM_001015877.2(PHF6):c.138+10C>T

Gene: PHF6 (PHD finger protein 6; plus strand). Cytogenetic location: Xq26.2.
Variant type: single nucleotide variant.
Coding change: c.138+10C>T on transcript NM_001015877.2 (MANE Select); 10 bases into the intron after coding-DNA position 138, C replaced by T.
Molecular consequence: intron variant.
Genome position (GRCh38, 1-based): chrX:134,377,765, C>T. VCF-style: chrX-134377765-C-T. GRCh37 (hg19) VCF-style: chrX-133511795-C-T.
Other names: c.138+10C>T (NM_032458.3, NM_032335.3).
Identifiers: ClinVar variation 784910 (VCV000784910.9), dbSNP rs778255925, ClinGen allele CA10521143.